The following is an entry in ClinVar:

ClinVar aggregate classification (germline): Uncertain significance. Review status: criteria provided, multiple submitters, no conflicts (2 of 4 stars). 2 submissions from 2 submitters: Uncertain significance (2). Last evaluated 2025-02-25.

Allele frequency attached by ClinVar (database versions not stated): ExAC 0.00001; gnomAD 0.00001.
gnomAD v4.1: 7 of 1,612,390 alleles (0.00043%); highest among the groups gnomAD compares: South Asian, 0.0011%; no homozygotes.

Submissions (2):

GeneDx
Classification: Uncertain significance. Last evaluated: 2025-02-25. Review status: criteria provided, single submitter. Criteria: GeneDx Variant Classification Process June 2021. Collection method: clinical testing. Allele origin: germline. Affected: yes.
Comment: Not observed at significant frequency in large population cohorts (gnomAD); Missense variant in a gene in which most reported pathogenic variants are truncating/loss of function; Has not been previously published as pathogenic or benign to our knowledge

Revvity Omics, Revvity
Classification: Uncertain significance. Last evaluated: 2022-09-14. Review status: criteria provided, single submitter. Criteria: ACMG Guidelines, 2015. Collection method: clinical testing. Allele origin: germline.

NM_001267550.2(TTN):c.20896A>G (p.Thr6966Ala)

Genes: TTN (titin; minus strand), LOC126806428 (BRD4-independent group 4 enhancer GRCh37_chr2:179588362-179589561; plus strand). Cytogenetic location: 2q31.2.
Variant type: single nucleotide variant.
Coding change: c.20896A>G on transcript NM_001267550.2 (MANE Select); coding-DNA position 20896, A replaced by G.
Protein change: p.Thr6966Ala; replaces threonine 6966 with alanine.
Molecular consequence: missense variant. On other transcripts: intron variant (3).
Genome position (GRCh38, 1-based): chr2:178,724,479, T>C on the plus strand (A>G on the coding strand, the complement: TTN is on the minus strand). VCF-style: chr2-178724479-T-C. GRCh37 (hg19) VCF-style: chr2-179589206-T-C.
Other names: c.19945A>G, p.Thr6649Ala (NM_001256850.1); c.17164A>G, p.Thr5722Ala (NM_133378.4); c.13282+13603A>G (NM_003319.4); c.13858+13603A>G (NM_133437.4); c.13657+13603A>G (NM_133432.3); short protein forms T5722A, T6649A, T6966A.
Identifiers: ClinVar variation 2437773 (VCV002437773.4), dbSNP rs764077044, ClinGen allele CA2001115.